The following is an entry in ClinVar:

ClinVar aggregate classification (germline): Uncertain significance (1 of 4 stars; one submission).

Conditions:
Creatine transporter deficiency (CCDS1). Also called: CEREBRAL CREATINE DEFICIENCY SYNDROME 1; Mental retardation , X-linked with seizures, short stature and midface hypoplasia; Mental retardation , X-linked, with creatine transport deficiency; X-linked creatine transporter deficiency; X-linked creatine deficiency syndrome; SLC6A8-Related Creatine Transporter Deficiency. Identifiers: Orphanet 52503, MedGen C1845862, MONDO:0010305, OMIM 300352.

Submission:

Labcorp Genetics (formerly Invitae), Labcorp
Classification: Uncertain significance for Creatine transporter deficiency. Last evaluated: 2020-07-16. Review status: criteria provided, single submitter. Criteria: Invitae Variant Classification Sherloc (09022015). Collection method: clinical testing. Allele origin: germline.
Comment: In summary, the available evidence is currently insufficient to determine the role of this variant in disease. Therefore, it has been classified as a Variant of Uncertain Significance. Experimental studies and prediction algorithms are not available or were not evaluated, and the functional significance of this variant is currently unknown. This variant, c.1027_1029del, results in the deletion of 1 amino acid(s) of the SLC6A8 protein (p.Ile343del), but otherwise preserves the integrity of the reading frame. This variant is not present in population databases (ExAC no frequency). This variant has not been reported in the literature in individuals with SLC6A8-related conditions.

NM_005629.4(SLC6A8):c.1024ATC[1] (p.Ile343del)

Gene: SLC6A8 (solute carrier family 6 member 8; plus strand). Cytogenetic location: Xq28.
Variant type: Microsatellite.
Coding change: c.1024ATC[1] on transcript NM_005629.4 (MANE Select); one copy of the 3-base unit ATC starting at c.1024; the reference has two copies in a row; one copy, 3 bases deleted.
Protein change: p.Ile343del; deletes isoleucine 343.
Molecular consequence: inframe deletion. On other transcripts: intron variant (1).
Genome position (GRCh38, 1-based): chrX:153,693,472-153,693,474, ATC deleted; deleting any 3 consecutive bases within chrX:153,693,468-153,693,474 gives the same sequence; the position shown is the placement nearest the transcript's 3' end. VCF-style (leftmost placement, unchanged base first): chrX-153693467-CCAT-C. GRCh37 (hg19) VCF-style: chrX-152958922-CCAT-C.
Other names: c.679ATC[1], p.Ile228del (NM_001142806.1); c.1017-20_1017-18del (NM_001142805.2); short protein forms I228del, I343del.
Identifiers: ClinVar variation 1026591 (VCV001026591.8), dbSNP rs2091469148, ClinGen allele CA2466437897.